The following is an entry in ClinVar:

NM_000090.4(COL3A1):c.3222T>G (p.Gly1074=)

Gene: COL3A1 (collagen type III alpha 1 chain; plus strand). Cytogenetic location: 2q32.2.
Variant type: single nucleotide variant.
Coding change: c.3222T>G on transcript NM_000090.4 (MANE Select); coding-DNA position 3222, T replaced by G.
Protein change: p.Gly1074=; no amino-acid change (glycine 1074 retained).
Molecular consequence: synonymous variant.
Genome position (GRCh38, 1-based): chr2:189,006,957, T>G. VCF-style: chr2-189006957-T-G. GRCh37 (hg19) VCF-style: chr2-189871683-T-G.
Identifiers: ClinVar variation 412898 (VCV000412898.17), dbSNP rs1060503873, ClinGen allele CA16610640.

ClinVar aggregate classification (germline): Likely benign. Review status: criteria provided, multiple submitters, no conflicts (2 of 4 stars). 5 submissions from 5 submitters: Likely benign (5). Last evaluated 2026-02-04.

Conditions:
Ehlers-Danlos syndrome, type 4 (EDSVASC). Also called: Ehlers-Danlos Syndrome Type IV; Ehlers-Danlos syndrome vascular type; Ehlers Danlos syndrome, ecchymotic type; Ehlers Danlos syndrome, arterial type; Ehlers Danlos syndrome, Sack-Barabas type. Identifiers: Orphanet 286, MedGen C0268338, MONDO:0017314, OMIM 130050.
Familial thoracic aortic aneurysm and aortic dissection (TAAD). Also called: Thoracic aortic aneurysms and dissections. Identifiers: Orphanet 91387, MedGen C4707243, MONDO:0019625.

Allele frequency attached by ClinVar (database versions not stated): TOPMed below 0.00001.
gnomAD v4.1: 1 of 1,613,488 alleles (0.000062%); highest among the groups gnomAD compares: Non-Finnish European, 0.000085%; no homozygotes.

Submissions (5):

Labcorp Genetics (formerly Invitae), Labcorp
Classification: Likely benign for Ehlers-Danlos syndrome, type 4. Last evaluated: 2026-02-04. Review status: criteria provided, single submitter. Criteria: Invitae Variant Classification Sherloc (09022015). Collection method: clinical testing. Allele origin: germline.

All of Us Research Program, National Institutes of Health
Classification: Likely benign for Ehlers-Danlos syndrome, type 4. Last evaluated: 2023-02-22. Review status: criteria provided, single submitter. Criteria: ACMG Guidelines, 2015. Collection method: clinical testing. Allele origin: germline. Inheritance: Autosomal dominant inheritance. Observed: 1 variant allele, 1 heterozygote.
Comment: This study involves interpretation of variants in research participants for the purpose of population health screening. Participant phenotype was not available at the time of variant classification. Additional details can be found in publication PMID: 35346344, PMCID: PMC8962531

ARUP Laboratories, Molecular Genetics and Genomics, ARUP Laboratories
Classification: Likely benign. Last evaluated: 2022-05-04. Review status: criteria provided, single submitter. Criteria: ARUP Molecular Germline Variant Investigation Process 2021. Collection method: clinical testing. Allele origin: germline.

Women's Health and Genetics/Laboratory Corporation of America, LabCorp
Classification: Likely benign. Last evaluated: 2020-09-24. Review status: criteria provided, single submitter. Criteria: LabCorp Variant Classification Summary - May 2015. Collection method: clinical testing. Allele origin: germline.

Color Diagnostics, LLC DBA Color Health
Classification: Likely benign for Familial thoracic aortic aneurysm and aortic dissection. Last evaluated: 2018-03-23. Review status: criteria provided, single submitter. Criteria: ACMG Guidelines, 2015. Collection method: clinical testing. Allele origin: germline.